The following is an entry in ClinVar:

NM_000179.3(MSH6):c.1627A>G (p.Lys543Glu)

Gene: MSH6 (mutS homolog 6; plus strand). Cytogenetic location: 2p16.3.
Variant type: single nucleotide variant.
Coding change: c.1627A>G on transcript NM_000179.3 (MANE Select); coding-DNA position 1627, A replaced by G.
Protein change: p.Lys543Glu; replaces lysine 543 with glutamic acid.
Molecular consequence: missense variant.
Genome position (GRCh38, 1-based): chr2:47,799,610, A>G. VCF-style: chr2-47799610-A-G. GRCh37 (hg19) VCF-style: chr2-48026749-A-G.
Other names: c.1237A>G, p.Lys413Glu (NM_001281492.2); c.721A>G, p.Lys241Glu (NM_001281493.2, NM_001281494.2); short protein forms K543E, K241E, K413E.
Identifiers: ClinVar variation 819699 (VCV000819699.4), dbSNP rs1572723712, ClinGen allele CA346747107.

ClinVar aggregate classification (germline): Uncertain significance (1 of 4 stars; one submission).

Conditions:
Hereditary cancer-predisposing syndrome. Also called: Neoplastic Syndromes, Hereditary; Tumor predisposition; Hereditary Cancer Syndrome; Hereditary neoplastic syndrome. Identifiers: Orphanet 140162, MedGen C0027672, MeSH D009386, MONDO:0015356.

Submission:

Ambry Genetics
Classification: Uncertain significance for Hereditary cancer-predisposing syndrome. Last evaluated: 2019-07-29. Review status: criteria provided, single submitter. Criteria: Ambry Variant Classification Scheme 2023. Collection method: clinical testing. Allele origin: germline.
Comment: The p.K543E variant (also known as c.1627A>G), located in coding exon 4 of the MSH6 gene, results from an A to G substitution at nucleotide position 1627. The lysine at codon 543 is replaced by glutamic acid, an amino acid with similar properties. This amino acid position is highly conserved in available vertebrate species. In addition, the in silico prediction for this alteration is inconclusive. Since supporting evidence is limited at this time, the clinical significance of this alteration remains unclear.